The following is an entry in ClinVar:

ClinVar aggregate classification (germline): Uncertain significance (1 of 4 stars; one submission).

Conditions:
Epilepsy, X-linked 1, with variable learning disabilities and behavior disorders. Also called: X-linked epilepsy-learning disabilities-behavior disorders syndrome. Identifiers: Orphanet 85294, MedGen C5774177, MONDO:0010339, OMIM 300491.

Allele frequency attached by ClinVar (database versions not stated): gnomAD exomes 0.00001.
gnomAD v4.1: 2 of 1,089,265 alleles (0.00018%); highest among the groups gnomAD compares: Non-Finnish European, 0.00024%; no homozygotes.

Submission:

Labcorp Genetics (formerly Invitae), Labcorp
Classification: Uncertain significance for Epilepsy, X-linked 1, with variable learning disabilities and behavior disorders. Last evaluated: 2022-03-17. Review status: criteria provided, single submitter. Criteria: Invitae Variant Classification Sherloc (09022015). Collection method: clinical testing. Allele origin: germline.
Comment: This variant is not present in population databases (gnomAD no frequency). In summary, the available evidence is currently insufficient to determine the role of this variant in disease. Therefore, it has been classified as a Variant of Uncertain Significance. Algorithms developed to predict the effect of missense changes on protein structure and function are either unavailable or do not agree on the potential impact of this missense change (SIFT: "Deleterious"; PolyPhen-2: "Not Available"; Align-GVGD: "Class C0"). This variant has not been reported in the literature in individuals affected with SYN1-related conditions. This sequence change replaces arginine, which is basic and polar, with cysteine, which is neutral and slightly polar, at codon 587 of the SYN1 protein (p.Arg587Cys).

NM_006950.3(SYN1):c.1759C>T (p.Arg587Cys)

Gene: SYN1 (synapsin I; minus strand). Cytogenetic location: Xp11.3.
Variant type: single nucleotide variant.
Coding change: c.1759C>T on transcript NM_006950.3 (MANE Select); coding-DNA position 1759, C replaced by T.
Protein change: p.Arg587Cys; replaces arginine 587 with cysteine.
Molecular consequence: missense variant.
Genome position (GRCh38, 1-based): chrX:47,574,225, G>A on the plus strand (C>T on the coding strand, the complement: SYN1 is on the minus strand). VCF-style: chrX-47574225-G-A. GRCh37 (hg19) VCF-style: chrX-47433624-G-A.
Other names: c.1759C>T, p.Arg587Cys (NM_133499.2); short protein forms R587C.
Identifiers: ClinVar variation 2201021 (VCV002201021.4), dbSNP rs2519684693, ClinGen allele CA412822665.